The following is an entry in ClinVar:

ClinVar aggregate classification (germline): Uncertain significance (1 of 4 stars; one submission).

Allele frequency attached by ClinVar (database versions not stated): gnomAD exomes below 0.00001; ExAC 0.00001; gnomAD 0.00001; TOPMed 0.00001.
gnomAD v4.1: 12 of 1,610,480 alleles (0.00075%); highest among the groups gnomAD compares: African/African-American, 0.008%; no homozygotes.

Submission:

Labcorp Genetics (formerly Invitae), Labcorp
Classification: Uncertain significance. Last evaluated: 2024-02-22. Review status: criteria provided, single submitter. Criteria: Invitae Variant Classification Sherloc (09022015). Collection method: clinical testing. Allele origin: germline.
Comment: This sequence change falls in intron 9 of the PPP3CA gene. It does not directly change the encoded amino acid sequence of the PPP3CA protein. It affects a nucleotide within the consensus splice site. This variant is present in population databases (rs760363553, gnomAD 0.007%). This variant has not been reported in the literature in individuals affected with PPP3CA-related conditions. ClinVar contains an entry for this variant (Variation ID: 1910957). Variants that disrupt the consensus splice site are a relatively common cause of aberrant splicing (PMID: 17576681, 9536098). Algorithms developed to predict the effect of sequence changes on RNA splicing suggest that this variant is not likely to affect RNA splicing. In summary, the available evidence is currently insufficient to determine the role of this variant in disease. Therefore, it has been classified as a Variant of Uncertain Significance.

Literature cited by the submitters: PubMed 17576681; PubMed 9536098.

NM_000944.5(PPP3CA):c.1082-3T>C

Gene: PPP3CA (protein phosphatase 3 catalytic subunit alpha; minus strand). Cytogenetic location: 4q24.
Variant type: single nucleotide variant.
Coding change: c.1082-3T>C on transcript NM_000944.5 (MANE Select); 3 bases into the intron before coding-DNA position 1082, T replaced by C.
Molecular consequence: intron variant.
Genome position (GRCh38, 1-based): chr4:101,061,164, A>G on the plus strand (T>C on the coding strand, the complement: PPP3CA is on the minus strand). VCF-style: chr4-101061164-A-G. GRCh37 (hg19) VCF-style: chr4-101982321-A-G.
Other names: c.956-3T>C (NM_001130692.2); c.1082-3T>C (NM_001130691.2).
Identifiers: ClinVar variation 1910957 (VCV001910957.5), dbSNP rs760363553, ClinGen allele CA3024336.
Genomic context (GRCh38, chr4:101,061,164, plus strand): 5'-TCTGACCCTAGTTCATCATCTGAGCAGATGTTGAGGACATTTACCAGCATCTCAGTCACT[A>G]AAGAGAGAAAGCAAAGAAAGAAAAGTCAGGGTTTTCTGTTATAACCTTAACTATTACTCT-3'